The following is an entry in ClinVar:

NM_201599.3(ZMYM3):c.2092dup (p.Thr698fs)

Gene: ZMYM3 (zinc finger MYM-type containing 3; minus strand). Cytogenetic location: Xq13.1.
Variant type: Duplication.
Coding change: c.2092dup on transcript NM_201599.3 (MANE Select); coding-DNA position 2092, one base duplicated (A; older notation c.2092dupA).
Protein change: p.Thr698fs; shifts the reading frame from threonine 698.
Molecular consequence: frameshift variant.
Genome position (GRCh38, 1-based): chrX:71,247,790, T duplicated on the plus strand (A on the coding strand, the reverse complement: ZMYM3 is on the minus strand). VCF-style (leftmost placement, unchanged base first): chrX-71247789-G-GT. GRCh37 (hg19) VCF-style: chrX-70467639-G-GT.
Other names: c.2092dup, p.Thr698fs (NM_001171162.1, NM_005096.3); short protein forms T698fs.
Identifiers: ClinVar variation 3365026 (VCV003365026.1).

ClinVar aggregate classification (germline): Uncertain significance (1 of 4 stars; one submission).

Submission:

GeneDx
Classification: Uncertain significance. Last evaluated: 2023-11-28. Review status: criteria provided, single submitter. Criteria: GeneDx Variant Classification Process June 2021. Collection method: clinical testing. Allele origin: germline. Affected: yes.
Comment: Not observed at significant frequency in large population cohorts (gnomAD); Has not been previously published as pathogenic or benign to our knowledge; Frameshift variant predicted to result in protein truncation or nonsense mediated decay in a gene for which loss-of-function is not an established mechanism of disease